The following is an entry in ClinVar:

NM_020765.3(UBR4):c.15009-174G>A

Genes: UBR4 (ubiquitin protein ligase E3 component n-recognin 4; minus strand), LOC126805640 (P300/CBP strongly-dependent group 1 enhancer GRCh37_chr1:19407589-19408788; plus strand). Cytogenetic location: 1p36.13.
Variant type: single nucleotide variant.
Coding change: c.15009-174G>A on transcript NM_020765.3 (MANE Select); 174 bases into the intron before coding-DNA position 15009, G replaced by A.
Molecular consequence: intron variant.
Genome position (GRCh38, 1-based): chr1:19,081,747, C>T on the plus strand (G>A on the coding strand, the complement: UBR4 is on the minus strand). VCF-style: chr1-19081747-C-T. GRCh37 (hg19) VCF-style: chr1-19408241-C-T.
Identifiers: ClinVar variation 2638410 (VCV002638410.24), dbSNP rs111593569, ClinGen allele CA648040.

ClinVar aggregate classification (germline): Benign (1 of 4 stars; one submission).

Allele frequency attached by ClinVar (database versions not stated): TOPMed 0.00025; gnomAD 0.00042; gnomAD exomes 0.00088; ExAC 0.00239; 1000 Genomes Project 30x 0.00265; 1000 Genomes Project 0.00280.
gnomAD v4.1: 614 of 768,098 alleles (0.08%); highest among the groups gnomAD compares: South Asian, 0.67%; 14 homozygotes.

Submission:

CeGaT Center for Human Genetics Tuebingen
Classification: Benign. Last evaluated: 2022-05-01. Review status: criteria provided, single submitter. Criteria: CeGaT Center For Human Genetics Tuebingen Variant Classification Criteria Version 2. Collection method: clinical testing. Allele origin: germline. Affected: yes. Observed: 1 variant allele.
Comment: UBR4: BS1, BS2